The following is an entry in ClinVar:

NM_000155.4(GALT):c.1016A>G (p.Tyr339Cys)

Gene: GALT (galactose-1-phosphate uridylyltransferase; plus strand). Cytogenetic location: 9p13.3.
Variant type: single nucleotide variant.
Coding change: c.1016A>G on transcript NM_000155.4 (MANE Select); coding-DNA position 1016, A replaced by G.
Protein change: p.Tyr339Cys; replaces tyrosine 339 with cysteine.
Molecular consequence: missense variant.
Genome position (GRCh38, 1-based): chr9:34,649,521, A>G. VCF-style: chr9-34649521-A-G. GRCh37 (hg19) VCF-style: chr9-34649518-A-G.
Other names: c.689A>G, p.Tyr230Cys (NM_001258332.2); short protein forms Y230C, Y339C.
Identifiers: ClinVar variation 3896642 (VCV003896642.2).

ClinVar aggregate classification (germline): Uncertain significance (1 of 4 stars; one submission).

gnomAD v4.1: 2 of 1,614,194 alleles (0.00012%); highest among the groups gnomAD compares: Non-Finnish European, 0.000085%; no homozygotes.

Submission:

Women's Health and Genetics/Laboratory Corporation of America, LabCorp
Classification: Uncertain significance. Last evaluated: 2025-04-24. Review status: criteria provided, single submitter. Criteria: LabCorp Variant Classification Summary - May 2015. Collection method: clinical testing. Allele origin: germline.
Comment: Variant summary: GALT c.1016A>G (p.Tyr339Cys) results in a non-conservative amino acid change located in the Galactose-1-phosphate uridyl transferase, C-terminal domain (IPR005850) of the encoded protein sequence. Five of five in-silico tools predict a damaging effect of the variant on protein function. The variant allele was found at a frequency of 4e-06 in 251480 control chromosomes. The available data on variant occurrences in the general population are insufficient to allow any conclusion about variant significance. c.1016A>G has been observed in one individual affected with Galactosemia (Boutron_2012). These data do not allow any conclusion about variant significance. To our knowledge, no experimental evidence demonstrating an impact on protein function has been reported. The following publication has been ascertained in the context of this evaluation (PMID: 22944367). No submitters have cited clinical-significance assessments for this variant to ClinVar. Based on the evidence outlined above, the variant was classified as uncertain significance.

Literature cited by the submitters: PubMed 22944367.